The following is an entry in ClinVar:

NM_001382567.1(STIM1):c.385+12C>T

Gene: STIM1 (stromal interaction molecule 1; plus strand). Cytogenetic location: 11p15.4.
Variant type: single nucleotide variant.
Coding change: c.385+12C>T on transcript NM_001382567.1 (MANE Select); 12 bases into the intron after coding-DNA position 385, C replaced by T.
Molecular consequence: intron variant.
Genome position (GRCh38, 1-based): chr11:4,023,999, C>T. VCF-style: chr11-4023999-C-T. GRCh37 (hg19) VCF-style: chr11-4045229-C-T.
Other names: c.163+12C>T (NM_001382578.1, NM_001382575.1, NM_001382576.1 and 5 more transcripts); c.-105+12C>T (NM_001382580.1, NM_001382581.1); c.385+12C>T (NM_001382568.1, NM_001277962.2, NM_003156.4 and 3 more transcripts); c.250+12C>T (NM_001382569.1); c.17+12C>T (NM_001382571.1).
Identifiers: ClinVar variation 258977 (VCV000258977.14), dbSNP rs114583092, ClinGen allele CA5830188.

ClinVar aggregate classification (germline): Benign. Review status: criteria provided, multiple submitters, no conflicts (2 of 4 stars). 4 submissions from 4 submitters: Benign (4). Last evaluated 2026-02-02.

Conditions:
Myopathy with tubular aggregates (TAM). Also called: Tubular Aggregate Myopathy. Identifiers: Orphanet 2593, MedGen C0410207, MONDO:0008051.
Stormorken syndrome (STRMK). Also called: THROMBOCYTOPATHY, ASPLENIA, AND MIOSIS. Identifiers: Orphanet 3204, MedGen C1861451, MONDO:0008497, OMIM 185070.
Combined immunodeficiency due to STIM1 deficiency. Also called: IMMUNODEFICIENCY 10; STIM1 DEFICIENCY. Identifiers: Orphanet 169090, Orphanet 317430, MedGen C2748557, MONDO:0013008, OMIM 612783.

Allele frequency attached by ClinVar (database versions not stated): gnomAD 0.04208 and 0.04548; 1000 Genomes Project 0.04213; 1000 Genomes Project 30x 0.04606; ESP Exome Variant Server 0.04747; gnomAD exomes 0.00647 and 0.01279; ExAC 0.01498; TOPMed 0.04730.
gnomAD v4.1: 16,086 of 1,605,146 alleles (1%); highest among the groups gnomAD compares: African/African-American, 14%; 814 homozygotes.

Submissions (4):

Labcorp Genetics (formerly Invitae), Labcorp
Classification: Benign for Myopathy with tubular aggregates; Combined immunodeficiency due to STIM1 deficiency; Stormorken syndrome. Last evaluated: 2026-02-02. Review status: criteria provided, single submitter. Criteria: Invitae Variant Classification Sherloc (09022015). Collection method: clinical testing. Allele origin: germline.

GeneDx
Classification: Benign. Last evaluated: 2016-05-11. Review status: criteria provided, single submitter. Criteria: GeneDx Variant Classification (06012015). Collection method: clinical testing. Allele origin: germline. Affected: yes.
Comment: This variant is considered likely benign or benign based on one or more of the following criteria: it is a conservative change, it occurs at a poorly conserved position in the protein, it is predicted to be benign by multiple in silico algorithms, and/or has population frequency not consistent with disease.

Breakthrough Genomics
Classification: Benign. Review status: criteria provided, single submitter. Criteria: ACMG Guidelines, 2015. Collection method: not provided. Allele origin: germline. Inheritance: Autosomal recessive inheritance. Affected: yes.

PreventionGenetics, part of Exact Sciences
Classification: Benign. Review status: criteria provided, single submitter. Criteria: ACMG Guidelines, 2015. Collection method: clinical testing. Allele origin: germline.